The following is an entry in ClinVar:

NM_003647.3(DGKE):c.86C>G (p.Ser29Trp)

Gene: DGKE (diacylglycerol kinase epsilon; plus strand). Cytogenetic location: 17q22.
Variant type: single nucleotide variant.
Coding change: c.86C>G on transcript NM_003647.3 (MANE Select); coding-DNA position 86, C replaced by G.
Protein change: p.Ser29Trp; replaces serine 29 with tryptophan.
Molecular consequence: missense variant.
Genome position (GRCh38, 1-based): chr17:56,834,881, C>G. VCF-style: chr17-56834881-C-G. GRCh37 (hg19) VCF-style: chr17-54912242-C-G.
Other names: short protein forms S29W.
Identifiers: ClinVar variation 2416172 (VCV002416172.3), dbSNP rs1374447524, ClinGen allele CA399920899.
Genomic context (GRCh38, chr17:56,834,881, plus strand): 5'-CGGGCTCGCCCTCCGAGGGCCTGTTTGCGGACGGGCACCTGATCTTGTGGACGCTGTGCT[C>G]GGTCCTGCTGCCGGTGTTCATCACCTTCTGGTGTAGCCTCCAGCGGTCGCGCCGGCAGCT-3'
Protein context (NP_003638.1, residues 19-39): DGHLILWTLC[Ser29Trp]VLLPVFITFW

ClinVar aggregate classification (germline): Uncertain significance (1 of 4 stars; one submission).

Allele frequency attached by ClinVar (database versions not stated): gnomAD 0.00001; TOPMed 0.00002.
gnomAD v4.1: 32 of 1,613,378 alleles (0.002%); highest among the groups gnomAD compares: Non-Finnish European, 0.0026%; no homozygotes.

Submission:

Labcorp Genetics (formerly Invitae), Labcorp
Classification: Uncertain significance. Last evaluated: 2025-02-10. Review status: criteria provided, single submitter. Criteria: Invitae Variant Classification Sherloc (09022015). Collection method: clinical testing. Allele origin: germline.
Comment: This sequence change replaces serine, which is neutral and polar, with tryptophan, which is neutral and slightly polar, at codon 29 of the DGKE protein (p.Ser29Trp). This variant is present in population databases (no rsID available, gnomAD 0.0009%). This variant has not been reported in the literature in individuals affected with DGKE-related conditions. ClinVar contains an entry for this variant (Variation ID: 2416172). An algorithm developed to predict the effect of missense changes on protein structure and function (PolyPhen-2) suggests that this variant is likely to be disruptive. In summary, the available evidence is currently insufficient to determine the role of this variant in disease. Therefore, it has been classified as a Variant of Uncertain Significance.